The following is an entry in ClinVar:

NM_000551.4(VHL):c.*303A>T

Genes: VHL (von Hippel-Lindau tumor suppressor; plus strand), LOC107303340 (3p25 von Hippel-Lindau tumor suppressor, E3 ubiquitin protein ligase Alu-mediated recombination region; plus strand). Cytogenetic location: 3p25.3.
Variant type: single nucleotide variant.
Coding change: c.*303A>T on transcript NM_000551.4 (MANE Select); 303 bases downstream of the stop codon, A replaced by T.
Molecular consequence: 3 prime UTR variant.
Genome position (GRCh38, 1-based): chr3:10,150,268, A>T. VCF-style: chr3-10150268-A-T. GRCh37 (hg19) VCF-style: chr3-10191952-A-T.
Other names: c.*499A>T (NM_001354723.2); c.*303A>T (NM_198156.3).
Identifiers: ClinVar variation 342408 (VCV000342408.5), dbSNP rs573000980, ClinGen allele CA10614821.
Genomic context (GRCh38, chr3:10,150,268, plus strand): 5'-TGGCATTTTTGCTTCCTAGTAAGTCAGGACAGCTTGTATGTAAGGAGGTTTGTATAAGTA[A>T]TTCAGTGGGAATTGCAGCATATCGTTTAATTTTAAGAAGGCATTGGCATCTGCTTTTAAT-3'

ClinVar aggregate classification (germline): Benign (1 of 4 stars; one submission).

Conditions:
Von Hippel-Lindau syndrome (VHLS). Also called: Von Hippel-Lindau; von Hippel–Lindau syndrome; VHL syndrome. Identifiers: Orphanet 892, MedGen C0019562, MONDO:0008667, OMIM 193300. Disease mechanism: loss of function.

Allele frequency attached by ClinVar (database versions not stated): gnomAD 0.00002 and 0.00025; TOPMed 0.00006; gnomAD exomes 0.00057; 1000 Genomes Project 30x 0.00109; 1000 Genomes Project 0.00120.
gnomAD v4.1: 690 of 1,294,848 alleles (0.053%); highest among the groups gnomAD compares: South Asian, 1%; 9 homozygotes.

Submission:

Illumina Laboratory Services, Illumina
Classification: Benign for Von Hippel-Lindau syndrome. Last evaluated: 2018-01-12. Review status: criteria provided, single submitter. Criteria: ICSL Variant Classification Criteria 13 December 2019. Collection method: clinical testing. Allele origin: germline.
Comment: This variant was observed in the ICSL laboratory as part of a predisposition screen in an ostensibly healthy population. It had not been previously curated by ICSL or reported in the Human Gene Mutation Database (HGMD: prior to June 1st, 2018), and was therefore a candidate for classification through an automated scoring system. Utilizing variant allele frequency, disease prevalence and penetrance estimates, and inheritance mode, an automated score was calculated to assess if this variant is too frequent to cause the disease. Based on the score and internal cut-off values, a variant classified as benign is not then subjected to further curation. The score for this variant resulted in a classification of benign for this disease.